The following is an entry in ClinVar:

NM_016239.4(MYO15A):c.10082+2T>G

Gene: MYO15A (myosin XVA; plus strand). Cytogenetic location: 17p11.2.
Variant type: single nucleotide variant.
Coding change: c.10082+2T>G on transcript NM_016239.4 (MANE Select); the canonical splice donor site of the intron after coding-DNA position 10082, T replaced by G.
Molecular consequence: splice donor variant.
Genome position (GRCh38, 1-based): chr17:18,167,725, T>G. VCF-style: chr17-18167725-T-G. GRCh37 (hg19) VCF-style: chr17-18071039-T-G.
Identifiers: ClinVar variation 3601294 (VCV003601294.1).
Genomic context (GRCh38, chr17:18,167,725, plus strand): 5'-GTGTCCAAGCTGGCTTCACTGCAGCATCGCGCCAAGGACCACTTCTACCTGCCGAGCGTG[T>G]GAGCATCTGCCCTCCTGCCTCAGCTGGGGTGGACAGGCAACCCTGCCCTCTCAGCCCACC-3'

ClinVar aggregate classification (germline): Pathogenic (1 of 4 stars; one submission).

Conditions:
Autosomal recessive nonsyndromic hearing loss 3. Also called: NEUROSENSORY NONSYNDROMIC RECESSIVE DEAFNESS 3. Identifiers: Orphanet 90636, MedGen C1838263, MONDO:0010860, OMIM 600316.

Submission:

Institute of Rare Diseases, West China Hospital, Sichuan University
Classification: Pathogenic for Autosomal recessive nonsyndromic hearing loss 3. Last evaluated: 2025-01-09. Review status: criteria provided, single submitter. Criteria: ClinGen HL ACMG Specifications v1. Collection method: research. Allele origin: germline. Affected: yes.
Comment: PVS1;PM3;PM2_Supporting